The following is an entry in ClinVar:

ClinVar aggregate classification (germline): Pathogenic/Likely pathogenic. Review status: criteria provided, multiple submitters, no conflicts (2 of 4 stars). 4 submissions from 4 submitters: Pathogenic (1); Likely pathogenic (2). 1 of the submissions does not count toward it. Last evaluated 2024-05-13.

Conditions:
Metachromatic leukodystrophy (MLD). Also called: Cerebral sclerosis diffuse metachromatic form; Arylsulfatase A Deficiency; SULFATIDE LIPIDOSIS; CEREBROSIDE SULFATASE DEFICIENCY; METACHROMATIC LEUKOENCEPHALOPATHY; ARSA DEFICIENCY. Identifiers: Orphanet 512, MedGen C0023522, MONDO:0018868, OMIM 250100.

Submissions (4):

Natera, Inc.
Classification: Likely pathogenic for Metachromatic leukodystrophy. Last evaluated: 2024-05-13. Review status: criteria provided, single submitter. Criteria: Natera Variant Classification Schema (03/2026). Collection method: clinical testing. Allele origin: germline.
Comment: The c.545delC variant in ARSA is a frameshift variant predicted to shift the reading frame beginning at codon 182 and leads to a stop codon 18 codons downstream. This variant is expected to result in nonsense mediated decay, truncation, or a dysfunctional protein product. This variant is rare in the general population with a frequency below the threshold expected for the associated phenotype(s). Given the available evidence, this variant is classified as Likely Pathogenic.

Labcorp Genetics (formerly Invitae), Labcorp
Classification: Pathogenic for Metachromatic leukodystrophy. Last evaluated: 2023-03-22. Review status: criteria provided, single submitter. Criteria: Invitae Variant Classification Sherloc (09022015). Collection method: clinical testing. Allele origin: germline.
Comment: This sequence change creates a premature translational stop signal (p.Pro182Hisfs*18) in the ARSA gene. It is expected to result in an absent or disrupted protein product. Loss-of-function variants in ARSA are known to be pathogenic (PMID: 8962139, 10477432). This variant is not present in population databases (gnomAD no frequency). This variant has not been reported in the literature in individuals affected with ARSA-related conditions. ClinVar contains an entry for this variant (Variation ID: 370973). For these reasons, this variant has been classified as Pathogenic.

Genome-Nilou Lab
Classification: Likely pathogenic for Metachromatic leukodystrophy. Last evaluated: 2021-07-22. Review status: criteria provided, single submitter. Criteria: ACMG Guidelines, 2015. Collection method: clinical testing. Allele origin: germline. Affected: no.

Counsyl
Classification: Likely pathogenic for Metachromatic leukodystrophy. Last evaluated: 2016-05-25. Review status: no assertion criteria provided. Collection method: clinical testing. Allele origin: unknown. Not counted in ClinVar's aggregate classification.

Literature cited by the submitters: PubMed 8962139 (cited by Labcorp Genetics (formerly Invitae), Labcorp); PubMed 10477432 (cited by Labcorp Genetics (formerly Invitae), Labcorp).

NM_000487.6(ARSA):c.545del (p.Pro182fs)

Gene: ARSA (arylsulfatase A; minus strand). Cytogenetic location: 22q13.33.
Variant type: Deletion.
Coding change: c.545del on transcript NM_000487.6 (MANE Select); coding-DNA position 545, one base deleted (C; older notation c.545delC).
Protein change: p.Pro182fs; shifts the reading frame from proline 182.
Molecular consequence: frameshift variant.
Genome position (GRCh38, 1-based): chr22:50,626,973, G deleted on the plus strand (C on the coding strand, the reverse complement: ARSA is on the minus strand); the first of 3 consecutive G bases (chr22:50,626,973-50,626,975); deleting any one gives the same sequence. VCF-style (leftmost placement, unchanged base first): chr22-50626972-TG-T. GRCh37 (hg19) VCF-style: chr22-51065400-TG-T.
Other names: c.545del, p.Pro182fs (NM_001085425.3, NM_001085426.3, NM_001085427.3); c.287del, p.Pro96fs (NM_001085428.3, NM_001362782.2); short protein forms P96fs, P182fs.
Identifiers: ClinVar variation 370973 (VCV000370973.11), dbSNP rs1057516907, ClinGen allele CA16042040.
Genomic context (GRCh38, chr22:50,626,972, plus strand): 5'-GCGGGCCTCTAGTCCGGGCAGCCAGGGGGGCTGCGCCTCCACGGACAGGTTGGCCAACAG[TG>T]GGATGGGGACCAGGCCCTGGTCACAGCCACCGTCGCAAGGAGTGGCCGGCGGGAAGCAGG-3'